The following is an entry in ClinVar:

NM_130837.3(OPA1):c.611-9A>G

Genes: OPA1 (OPA1 mitochondrial dynamin like GTPase; plus strand), OPA1-AS1 (OPA1 antisense RNA 1; minus strand). Cytogenetic location: 3q29.
Variant type: single nucleotide variant.
Coding change: c.611-9A>G on transcript NM_130837.3 (MANE Select); 9 bases into the intron before coding-DNA position 611, A replaced by G.
Molecular consequence: intron variant. On other transcripts: non-coding transcript variant (1).
Genome position (GRCh38, 1-based): chr3:193,618,860, A>G. VCF-style: chr3-193618860-A-G. GRCh37 (hg19) VCF-style: chr3-193336649-A-G.
Other names: c.185-9A>G (NM_001354664.2); c.557-9A>G (NM_015560.3, NM_130836.3, NM_015560.2); c.503-9A>G (NM_130835.3, NM_130832.3); c.449-9A>G (NM_130833.3, NM_130831.3); c.77-9A>G (NM_001354663.2); c.611-9A>G (NM_130834.3, NM_130837.2).
Identifiers: ClinVar variation 1671110 (VCV001671110.13), dbSNP rs372157755, ClinGen allele CA2759080.

ClinVar aggregate classification (germline): Likely benign. Review status: criteria provided, multiple submitters, no conflicts (2 of 4 stars). 4 submissions from 4 submitters: Likely benign (3). 1 of the submissions does not count toward it. Last evaluated 2025-12-16.

Conditions:
OPA1-related disorder. Also called: OPA1-related disorders; OPA1-related condition.

Allele frequency attached by ClinVar (database versions not stated): ExAC 0.00001; gnomAD exomes 0.00001 and 0.00003; gnomAD 0.00003; ESP Exome Variant Server 0.00008.
gnomAD v4.1: 49 of 1,610,526 alleles (0.003%); highest among the groups gnomAD compares: Middle Eastern, 0.066%; no homozygotes.

Submissions (4):

Labcorp Genetics (formerly Invitae), Labcorp
Classification: Likely benign. Last evaluated: 2025-12-16. Review status: criteria provided, single submitter. Criteria: Invitae Variant Classification Sherloc (09022015). Collection method: clinical testing. Allele origin: germline.

Women's Health and Genetics/Laboratory Corporation of America, LabCorp
Classification: Likely benign. Last evaluated: 2024-12-11. Review status: criteria provided, single submitter. Criteria: LabCorp Variant Classification Summary - May 2015. Collection method: clinical testing. Allele origin: germline.

Blueprint Genetics
Classification: Likely benign. Last evaluated: 2024-10-03. Review status: criteria provided, single submitter. Criteria: ACMG Guidelines, 2015. Collection method: clinical testing. Allele origin: germline.

PreventionGenetics, part of Exact Sciences
Classification: Likely benign for OPA1-related condition. Last evaluated: 2023-09-25. Review status: no assertion criteria provided. Collection method: clinical testing. Allele origin: germline. Not counted in ClinVar's aggregate classification.
Comment: This variant is classified as likely benign based on ACMG/AMP sequence variant interpretation guidelines (Richards et al. 2015 PMID: 25741868, with internal and published modifications).